The following is an entry in ClinVar:

ClinVar aggregate classification (germline): Pathogenic. Review status: criteria provided, multiple submitters, no conflicts (2 of 4 stars). 2 submissions from 2 submitters: Pathogenic (2). Last evaluated 2024-10-25.

Submissions (2):

Labcorp Genetics (formerly Invitae), Labcorp
Classification: Pathogenic. Last evaluated: 2024-10-25. Review status: criteria provided, single submitter. Criteria: Invitae Variant Classification Sherloc (09022015). Collection method: clinical testing. Allele origin: germline.
Comment: This sequence change creates a premature translational stop signal (p.Thr148Leufs*47) in the KIF11 gene. It is expected to result in an absent or disrupted protein product. Loss-of-function variants in KIF11 are known to be pathogenic (PMID: 22284827, 24281367). This variant is not present in population databases (gnomAD no frequency). This variant has not been reported in the literature in individuals affected with KIF11-related conditions. ClinVar contains an entry for this variant (Variation ID: 1206547). For these reasons, this variant has been classified as Pathogenic.

GeneDx
Classification: Pathogenic. Last evaluated: 2022-07-29. Review status: criteria provided, single submitter. Criteria: GeneDx Variant Classification Process June 2021. Collection method: clinical testing. Allele origin: germline. Affected: yes.
Comment: Frameshift variant predicted to result in protein truncation or nonsense mediated decay in a gene for which loss-of-function is a known mechanism of disease; Not observed in large population cohorts (gnomAD); Has not been previously published as pathogenic or benign to our knowledge

Literature cited by the submitters: PubMed 22284827 (cited by Labcorp Genetics (formerly Invitae), Labcorp); PubMed 24281367 (cited by Labcorp Genetics (formerly Invitae), Labcorp).

NM_004523.4(KIF11):c.439del (p.Thr148fs)

Gene: KIF11 (kinesin family member 11; plus strand). Cytogenetic location: 10q23.33.
Variant type: Deletion.
Coding change: c.439del on transcript NM_004523.4 (MANE Select); coding-DNA position 439, one base deleted (C; older notation c.439delC).
Protein change: p.Thr148fs; shifts the reading frame from threonine 148.
Molecular consequence: frameshift variant.
Genome position (GRCh38, 1-based): chr10:92,609,071, C deleted. VCF-style (leftmost placement, unchanged base first): chr10-92609070-AC-A. GRCh37 (hg19) VCF-style: chr10-94368827-AC-A.
Other names: c.439delC (NM_004523.3); short protein forms T148fs.
Identifiers: ClinVar variation 1206547 (VCV001206547.10), dbSNP rs2135902414, ClinGen allele CA2499220494.